The following is an entry in ClinVar:

ClinVar aggregate classification (germline): Uncertain significance (1 of 4 stars; one submission).

gnomAD v4.1: 1 of 1,208,152 alleles (0.000083%); highest among the groups gnomAD compares: Non-Finnish European, 0.00011%; no homozygotes.

Submission:

GeneDx
Classification: Uncertain significance. Last evaluated: 2024-03-11. Review status: criteria provided, single submitter. Criteria: GeneDx Variant Classification Process June 2021. Collection method: clinical testing. Allele origin: germline. Affected: yes.
Comment: Not observed at significant frequency in large population cohorts (gnomAD); In silico analysis supports that this missense variant has a deleterious effect on protein structure/function; Has not been previously published as pathogenic or benign to our knowledge

NM_078629.4(MSL3):c.1229G>A (p.Gly410Glu)

Gene: MSL3 (MSL complex subunit 3; plus strand). Cytogenetic location: Xp22.2.
Variant type: single nucleotide variant.
Coding change: c.1229G>A on transcript NM_078629.4 (MANE Select); coding-DNA position 1229, G replaced by A.
Protein change: p.Gly410Glu; replaces glycine 410 with glutamic acid.
Molecular consequence: missense variant.
Genome position (GRCh38, 1-based): chrX:11,768,630, G>A. VCF-style: chrX-11768630-G-A. GRCh37 (hg19) VCF-style: chrX-11786749-G-A.
Other names: c.1193G>A, p.Gly398Glu (NM_001193270.2); c.782G>A, p.Gly261Glu (NM_001282174.1); c.731G>A, p.Gly244Glu (NM_006800.4); short protein forms G244E, G261E, G398E, G410E.
Identifiers: ClinVar variation 3370657 (VCV003370657.1).